The following is an entry in ClinVar:

NM_152381.6(XIRP2):c.472G>A (p.Glu158Lys)

Genes: XIRP2 (xin actin binding repeat containing 2; plus strand), XIRP2-AS1 (XIRP2 antisense RNA 1; minus strand). Cytogenetic location: 2q24.3.
Variant type: single nucleotide variant.
Coding change: c.472G>A on transcript NM_152381.6 (MANE Select); coding-DNA position 472, G replaced by A.
Protein change: p.Glu158Lys; replaces glutamic acid 158 with lysine.
Molecular consequence: missense variant.
Genome position (GRCh38, 1-based): chr2:167,135,972, G>A. VCF-style: chr2-167135972-G-A. GRCh37 (hg19) VCF-style: chr2-167992482-G-A.
Other names: c.472G>A, p.Glu158Lys (NM_001079810.4, NM_001199143.2); short protein forms E158K.
Identifiers: ClinVar variation 403612 (VCV000403612.5), dbSNP rs114147582, ClinGen allele CA1946173.

ClinVar aggregate classification (germline): Benign. Review status: criteria provided, multiple submitters, no conflicts (2 of 4 stars). 2 submissions from 2 submitters: Benign (2). Last evaluated 2016-03-29.

Allele frequency attached by ClinVar (database versions not stated): gnomAD 0.01425 and 0.01500; TOPMed 0.01441; 1000 Genomes Project 30x 0.01452; 1000 Genomes Project 0.01538; ESP Exome Variant Server 0.01643; gnomAD exomes 0.01894 and 0.02025; ExAC 0.02010.
gnomAD v4.1: 31,878 of 1,611,940 alleles (2%); highest among the groups gnomAD compares: South Asian, 4.9%; 471 homozygotes.

Submissions (2):

Laboratory for Molecular Medicine, Mass General Brigham Personalized Medicine
Classification: Benign. Last evaluated: 2016-03-29. Review status: criteria provided, single submitter. Criteria: LMM Criteria. Collection method: clinical testing. Allele origin: germline.
Comment: Variant identified in a genome or exome case(s) and assessed due to predicted null impact of the variant or pathogenic assertions in the literature or databases. Disclaimer: This variant has not undergone full assessment. The following are preliminary notes: Frequency

Breakthrough Genomics
Classification: Benign. Review status: criteria provided, single submitter. Criteria: ACMG Guidelines, 2015. Collection method: not provided. Allele origin: germline. Inheritance: Unknown mechanism. Affected: yes.